The following is an entry in ClinVar:

GRCh37/hg19 Xp11.22(chrX:52677621-53324469)x1

Genes: FAM156A (family with sequence similarity 156 member A; minus strand), FAM156B (family with sequence similarity 156 member B; plus strand), GPR173 (G protein-coupled receptor 173; plus strand), IQSEC2 (IQ motif and Sec7 domain ArfGEF 2; minus strand), KDM5C (lysine demethylase 5C; minus strand) and 7 more. Cytogenetic location: Xp11.22.
Variant type: copy number loss.
Change: copy number 1 of chrX:52,677,621-53,324,469 (646.8 kb, GRCh37 coordinates, 1-based), cytogenetic band Xp11.22.
Identifiers: ClinVar variation 3391954 (VCV003391954.1).

ClinVar aggregate classification (germline): Pathogenic (1 of 4 stars; one submission).

Submission:

Quest Diagnostics Nichols Institute San Juan Capistrano
Classification: Pathogenic. Last evaluated: 2024-02-05. Review status: criteria provided, single submitter. Criteria: ACMG/ClinGen CNV Guidelines, 2019. Collection method: clinical testing. Allele origin: unknown.
Comment: This loss involves multiple protein-coding genes, including KDM5C (OMIM 314690) and all except the first exon (NM_001111125.3) of IQSEC2 (OMIM 300522). Haploinsufficiency of IQSEC2 is associated with X-linked intellectual developmental disorder-1 (OMIM 309530; ISCA-37489; Fieremans 2015, Zou 2019), and haploinsufficiency of KDM5C is associated with the Claes-Jensen type of X-linked syndromic intellectual developmental disorder (OMIM 300534; ISCA-3959; Carmignac 2020). Fieremans et al. (2015) and Lopergolo et al. (2020) have reported females with de novo deletions similar to the current interval. Therefore, this CNV is classified as pathogenic. References: Carmignac et al., Clin Genet. 2020 Jul;98(1):43-55. PMID: 32279304; Fieremans et al., Eur J Med Genet. 2015 May;58(5):324-7. PMID: 25858702; Lopergolo et al., Clin Genet. 2021 Mar;99(3):462-474. PMID: 33368194; Zou et al., Psychiatr Genet. 2019 Dec;29(6):243-247. PMID: 31490346